The following is an entry in ClinVar:

ClinVar aggregate classification (germline): Benign. Review status: criteria provided, multiple submitters, no conflicts (2 of 4 stars). 2 submissions from 2 submitters: Benign (2). Last evaluated 2026-02-01.

Allele frequency attached by ClinVar (database versions not stated): gnomAD exomes 0.00112; ExAC 0.00374; 1000 Genomes Project 0.00978; 1000 Genomes Project 30x 0.00999; ESP Exome Variant Server 0.01112; gnomAD 0.01151; TOPMed 0.01274.
gnomAD v4.1: 3,436 of 1,607,456 alleles (0.21%); highest among the groups gnomAD compares: African/African-American, 4.1%; 49 homozygotes.

Submissions (2):

Labcorp Genetics (formerly Invitae), Labcorp
Classification: Benign. Last evaluated: 2026-02-01. Review status: criteria provided, single submitter. Criteria: Invitae Variant Classification Sherloc (09022015). Collection method: clinical testing. Allele origin: germline.

Mayo Clinic Laboratories, Mayo Clinic
Classification: Benign. Last evaluated: 2025-02-26. Review status: criteria provided, single submitter. Criteria: ACMG Guidelines, 2015. Collection method: clinical testing. Allele origin: germline. Observed: 1 variant allele.
Comment: BS1, BS2, BP4, BP7

NM_138386.3(NAF1):c.303C>T (p.Ala101=)

Gene: NAF1 (nuclear assembly factor 1 ribonucleoprotein; minus strand). Cytogenetic location: 4q32.2.
Variant type: single nucleotide variant.
Coding change: c.303C>T on transcript NM_138386.3 (MANE Select); coding-DNA position 303, C replaced by T.
Protein change: p.Ala101=; no amino-acid change (alanine 101 retained).
Molecular consequence: synonymous variant.
Genome position (GRCh38, 1-based): chr4:163,166,425, G>A on the plus strand (C>T on the coding strand, the complement: NAF1 is on the minus strand). VCF-style: chr4-163166425-G-A. GRCh37 (hg19) VCF-style: chr4-164087577-G-A.
Other names: p.Ala101=; c.303C>T, p.Ala101= (NM_001128931.2).
Identifiers: ClinVar variation 2049459 (VCV002049459.5), dbSNP rs35410130, ClinGen allele CA3126424.
Genomic context (GRCh38, chr4:163,166,425, plus strand): 5'-GTCCGAGTCCGAATCCGAGTCCGAGGTCTCCAAGGAGTCCGGCGCCCGCGCAGGCTCTGC[G>A]GCTCCTGGGGAGGTGACGCAGTCTCCGCAGGCCGGCGATTCAGCCGGTGGCTGTGGCTGC-3'
Protein context (NP_612395.2, residues 91-111): ACGDCVTSPG[Ala101=]AEPARAPDSL